The following is an entry in ClinVar:

ClinVar aggregate classification (germline): Likely benign (0 of 4 stars; one submission).

Conditions:
SMO-related disorder. Also called: SMO-related condition.

Allele frequency attached by ClinVar (database versions not stated): gnomAD 0.00002; gnomAD exomes 0.00003; TOPMed 0.00005; ExAC 0.00014; 1000 Genomes Project 0.00020; 1000 Genomes Project 30x 0.00031.
gnomAD v4.1: 43 of 1,614,078 alleles (0.0027%); highest among the groups gnomAD compares: East Asian, 0.089%; no homozygotes.

Submission:

PreventionGenetics, part of Exact Sciences
Classification: Likely benign for SMO-related condition. Last evaluated: 2019-08-14. Review status: no assertion criteria provided. Collection method: clinical testing. Allele origin: germline.
Comment: This variant is classified as likely benign based on ACMG/AMP sequence variant interpretation guidelines (Richards et al. 2015 PMID: 25741868, with internal and published modifications).

NM_005631.5(SMO):c.1140+7T>C

Gene: SMO (smoothened, frizzled class receptor; plus strand). Cytogenetic location: 7q32.1.
Variant type: single nucleotide variant.
Coding change: c.1140+7T>C on transcript NM_005631.5 (MANE Select); 7 bases into the intron after coding-DNA position 1140, T replaced by C.
Molecular consequence: intron variant.
Genome position (GRCh38, 1-based): chr7:129,206,376, T>C. VCF-style: chr7-129206376-T-C. GRCh37 (hg19) VCF-style: chr7-128846217-T-C.
Identifiers: ClinVar variation 3053143 (VCV003053143.2), dbSNP rs530794787, ClinGen allele CA4479292.
Genomic context (GRCh38, chr7:129,206,376, plus strand): 5'-CTCACCTGGTCACTCCCCTTTGTCCTCACTGTGGCAATCCTTGCTGTGGCGCAGGTATAG[T>C]GACTGGTAGGAACGGGAGACCTGGATGGGGTGAGTTTGAGGGAGGGGGCCAGTAACCCAC-3'